The following is an entry in ClinVar:

NM_152383.5(DIS3L2):c.1188C>T (p.Cys396=)

Gene: DIS3L2 (DIS3 like 3'-5' exoribonuclease 2; plus strand). Cytogenetic location: 2q37.1.
Variant type: single nucleotide variant.
Coding change: c.1188C>T on transcript NM_152383.5 (MANE Select); coding-DNA position 1188, C replaced by T.
Protein change: p.Cys396=; no amino-acid change (cysteine 396 retained).
Molecular consequence: synonymous variant. On other transcripts: non-coding transcript variant (2).
Genome position (GRCh38, 1-based): chr2:232,210,389, C>T. VCF-style: chr2-232210389-C-T. GRCh37 (hg19) VCF-style: chr2-233075099-C-T.
Other names: c.1188C>T, p.Cys396= (NM_001257281.2).
Identifiers: ClinVar variation 531937 (VCV000531937.13), dbSNP rs145607185, ClinGen allele CA2164057.

ClinVar aggregate classification (germline): Uncertain significance. Review status: criteria provided, multiple submitters, no conflicts (2 of 4 stars). 2 submissions from 2 submitters: Uncertain significance (2). Last evaluated 2025-10-27.

Conditions:
Perlman syndrome (PRLMNS). Identifiers: Orphanet 2849, MedGen C0796113, MONDO:0009965, OMIM 267000.

Allele frequency attached by ClinVar (database versions not stated): gnomAD exomes below 0.00001 and 0.00003; gnomAD 0.00001 and 0.00005; TOPMed 0.00002; ExAC 0.00006; 1000 Genomes Project 30x 0.00031; 1000 Genomes Project 0.00040.
gnomAD v4.1: 15 of 1,613,494 alleles (0.00093%); highest among the groups gnomAD compares: East Asian, 0.029%; 1 homozygote.

Submissions (2):

Labcorp Genetics (formerly Invitae), Labcorp
Classification: Uncertain significance for Perlman syndrome. Last evaluated: 2025-10-27. Review status: criteria provided, single submitter. Criteria: Invitae Variant Classification Sherloc (09022015). Collection method: clinical testing. Allele origin: germline.
Comment: This sequence change affects codon 396 of the DIS3L2 mRNA. It is a 'silent' change, meaning that it does not change the encoded amino acid sequence of the DIS3L2 protein. RNA analysis indicates that this variant induces altered splicing and likely results in the loss of 6 amino acid residue(s), but is expected to preserve the integrity of the reading-frame. This variant is present in population databases (rs145607185, gnomAD 0.04%). This variant has not been reported in the literature in individuals affected with DIS3L2-related conditions. ClinVar contains an entry for this variant (Variation ID: 531937). Studies have shown that this variant results in the activation of a cryptic splice site in exon 10 (internal data). In summary, the available evidence is currently insufficient to determine the role of this variant in disease. Therefore, it has been classified as a Variant of Uncertain Significance.

Illumina Laboratory Services, Illumina
Classification: Uncertain significance for Perlman syndrome. Last evaluated: 2018-01-13. Review status: criteria provided, single submitter. Criteria: ICSL Variant Classification Criteria 13 December 2019. Collection method: clinical testing. Allele origin: germline.